The following is an entry in ClinVar:

NM_001018005.2(TPM1):c.289G>C (p.Glu97Gln)

Gene: TPM1 (tropomyosin 1; plus strand). Cytogenetic location: 15q22.2.
Variant type: single nucleotide variant.
Coding change: c.289G>C on transcript NM_001018005.2 (MANE Select); coding-DNA position 289, G replaced by C.
Protein change: p.Glu97Gln; replaces glutamic acid 97 with glutamine.
Molecular consequence: missense variant.
Genome position (GRCh38, 1-based): chr15:63,057,033, G>C. VCF-style: chr15-63057033-G-C. GRCh37 (hg19) VCF-style: chr15-63349232-G-C.
Other names: c.289G>C, p.Glu97Gln (NM_000366.6, NM_001018004.2, NM_001018006.2 and 6 more transcripts); c.181G>C, p.Glu61Gln (NM_001018008.2, NM_001301289.2, NM_001330344.2 and 5 more transcripts); c.415G>C, p.Glu139Gln (NM_001365778.1); short protein forms E97Q, E139Q, E61Q.
Identifiers: ClinVar variation 418523 (VCV000418523.2), dbSNP rs1064793284, ClinGen allele CA16619983.

ClinVar aggregate classification (germline): Likely pathogenic (1 of 4 stars; one submission).

Submission:

GeneDx
Classification: Likely pathogenic. Last evaluated: 2014-05-13. Review status: criteria provided, single submitter. Criteria: GeneDx Variant Classification (06012015). Collection method: clinical testing. Allele origin: germline. Affected: yes.
Comment: A novel E97Q variant that is likely pathogenic was identified in the TPM1 gene. It has not been published as a pathogenic variant or as a benign polymorphism to our knowledge. The E97Q variant was not observed in approximately 6,500 individuals of European and African American ancestry in an external variant database, indicating it is not a common benign variant in these populations. The E97Q variant is a semi-conservative amino acid substitution, which may impact secondary protein structure as these residues differ in some properties. Additionally, this substitution occurs at a position that is highly conserved across species. Moreover, in silico analysis is inconsistent in its predictions as to whether or not the variant is damaging to the protein structure/function, however at least two models predict this variant is probably damaging to the protein structure.function. Furthermore, missense variants in nearby residues (I92T, V95A, A107T) have been reported in the Human Gene Mutation Database in association with cardiomyopathy (Stenson et al., 2009), supporting the functional importance of this region of the protein. Therefore, this is a strong candidate for a pathogenic variant, however the possibility that it is a benign variant cannot be excluded.